The following is an entry in ClinVar:

ClinVar aggregate classification (germline): Uncertain significance. Review status: criteria provided, multiple submitters, no conflicts (2 of 4 stars). 2 submissions from 2 submitters: Uncertain significance (2). Last evaluated 2025-07-27.

Conditions:
Hereditary cancer-predisposing syndrome. Also called: Neoplastic Syndromes, Hereditary; Tumor predisposition; Hereditary neoplastic syndrome; Hereditary Cancer Syndrome. Identifiers: Orphanet 140162, MedGen C0027672, MeSH D009386, MONDO:0015356.
Multiple endocrine neoplasia, type 1 (MEN1). Also called: MEN I; WERMER SYNDROME; Endocrine adenomatosis multiple; MEN 1; MEA I. Identifiers: Orphanet 652, MedGen C0025267, MeSH D018761, MONDO:0007540, OMIM 131100.

Submissions (2):

Labcorp Genetics (formerly Invitae), Labcorp
Classification: Uncertain significance for Multiple endocrine neoplasia, type 1. Last evaluated: 2025-07-27. Review status: criteria provided, single submitter. Criteria: Invitae Variant Classification Sherloc (09022015). Collection method: clinical testing. Allele origin: germline.
Comment: This sequence change replaces leucine, which is neutral and non-polar, with methionine, which is neutral and non-polar, at codon 34 of the MEN1 protein (p.Leu34Met). This variant is not present in population databases (gnomAD no frequency). This variant has not been reported in the literature in individuals affected with MEN1-related conditions. ClinVar contains an entry for this variant (Variation ID: 241794). Invitae Evidence Modeling of protein sequence and biophysical properties (such as structural, functional, and spatial information, amino acid conservation, physicochemical variation, residue mobility, and thermodynamic stability) indicates that this missense variant is expected to disrupt MEN1 protein function with a positive predictive value of 95%. In summary, the available evidence is currently insufficient to determine the role of this variant in disease. Therefore, it has been classified as a Variant of Uncertain Significance.

Ambry Genetics
Classification: Uncertain significance for Hereditary cancer-predisposing syndrome. Last evaluated: 2024-12-16. Review status: criteria provided, single submitter. Criteria: Ambry Variant Classification Scheme 2023. Collection method: clinical testing. Allele origin: germline.
Comment: The p.L34M variant (also known as c.100C>A), located in coding exon 1 of the MEN1 gene, results from a C to A substitution at nucleotide position 100. The leucine at codon 34 is replaced by methionine, an amino acid with highly similar properties. This amino acid position is highly conserved in available vertebrate species. In addition, this alteration is predicted to be deleterious by in silico analysis. Since supporting evidence is limited at this time, the clinical significance of this alteration remains unclear.

NM_001370259.2(MEN1):c.100C>A (p.Leu34Met)

Gene: MEN1 (menin 1; minus strand). Cytogenetic location: 11q13.1.
Variant type: single nucleotide variant.
Coding change: c.100C>A on transcript NM_001370259.2 (MANE Select); coding-DNA position 100, C replaced by A.
Protein change: p.Leu34Met; replaces leucine 34 with methionine.
Molecular consequence: missense variant.
Genome position (GRCh38, 1-based): chr11:64,810,010, G>T on the plus strand (C>A on the coding strand, the complement: MEN1 is on the minus strand). VCF-style: chr11-64810010-G-T. GRCh37 (hg19) VCF-style: chr11-64577482-G-T.
Other names: c.100C>A, p.Leu34Met (NM_000244.4, NM_001370251.2, NM_001370260.2 and 9 more transcripts); short protein forms L34M.
Identifiers: ClinVar variation 241794 (VCV000241794.17), dbSNP rs771554497, ClinGen allele CA10582947.